The following is an entry in ClinVar:

NM_001267550.2(TTN):c.21363C>T (p.Val7121=)

Genes: TTN (titin; minus strand), LOC126806428 (BRD4-independent group 4 enhancer GRCh37_chr2:179588362-179589561; plus strand). Cytogenetic location: 2q31.2.
Variant type: single nucleotide variant.
Coding change: c.21363C>T on transcript NM_001267550.2 (MANE Select); coding-DNA position 21363, C replaced by T.
Protein change: p.Val7121=; no amino-acid change (valine 7121 retained).
Molecular consequence: synonymous variant. On other transcripts: intron variant (3).
Genome position (GRCh38, 1-based): chr2:178,723,896, G>A on the plus strand (C>T on the coding strand, the complement: TTN is on the minus strand). VCF-style: chr2-178723896-G-A. GRCh37 (hg19) VCF-style: chr2-179588623-G-A.
Other names: c.20412C>T, p.Val6804= (NM_001256850.1); c.17631C>T, p.Val5877= (NM_133378.4); c.13282+14186C>T (NM_003319.4); c.13858+14186C>T (NM_133437.4); c.13657+14186C>T (NM_133432.3).
Identifiers: ClinVar variation 509264 (VCV000509264.12), dbSNP rs751090506, ClinGen allele CA2001046.

ClinVar aggregate classification (germline): Likely benign. Review status: criteria provided, multiple submitters, no conflicts (2 of 4 stars). 2 submissions from 2 submitters: Likely benign (2). Last evaluated 2024-03-21.

Conditions:
Dilated cardiomyopathy 1G (CMD1G). Identifiers: Orphanet 154, MedGen C1858763, MONDO:0011400, OMIM 604145.
Autosomal recessive limb-girdle muscular dystrophy type 2J (LGMDR10). Also called: Limb-girdle muscular dystrophy, type 2J; MUSCULAR DYSTROPHY, LIMB-GIRDLE, AUTOSOMAL RECESSIVE 10. Identifiers: Orphanet 140922, MedGen C1837342, MONDO:0012127, OMIM 608807.

Allele frequency attached by ClinVar (database versions not stated): gnomAD exomes below 0.00001 and 0.00002; ExAC 0.00001; gnomAD 0.00002 and 0.00003; TOPMed 0.00002.
gnomAD v4.1: 11 of 1,613,000 alleles (0.00068%); highest among the groups gnomAD compares: Admixed American, 0.0033%; no homozygotes.

Submissions (2):

Labcorp Genetics (formerly Invitae), Labcorp
Classification: Likely benign for Dilated cardiomyopathy 1G; Autosomal recessive limb-girdle muscular dystrophy type 2J. Last evaluated: 2024-03-21. Review status: criteria provided, single submitter. Criteria: Invitae Variant Classification Sherloc (09022015). Collection method: clinical testing. Allele origin: germline.

GeneDx
Classification: Likely benign. Last evaluated: 2017-04-27. Review status: criteria provided, single submitter. Criteria: GeneDx Variant Classification (06012015). Collection method: clinical testing. Allele origin: germline. Affected: yes.
Comment: This variant is considered likely benign or benign based on one or more of the following criteria: it is a conservative change, it occurs at a poorly conserved position in the protein, it is predicted to be benign by multiple in silico algorithms, and/or has population frequency not consistent with disease.